The following is an entry in ClinVar:

NM_000059.4(BRCA2):c.7806-2A>G

Gene: BRCA2 (BRCA2 DNA repair associated; plus strand). Cytogenetic location: 13q13.1.
Variant type: single nucleotide variant.
Coding change: c.7806-2A>G on transcript NM_000059.4 (MANE Select); the canonical splice acceptor site of the intron before coding-DNA position 7806, A replaced by G.
Molecular consequence: splice acceptor variant.
Genome position (GRCh38, 1-based): chr13:32,362,521, A>G. VCF-style: chr13-32362521-A-G. GRCh37 (hg19) VCF-style: chr13-32936658-A-G.
Other names: IVS16-2A>G; c.7806-2A>G (NM_001406720.1); c.7710-2A>G (NM_001406719.1); c.2874-2A>G (NM_001406721.1); c.1389-2A>G (NM_001406722.1).
Identifiers: ClinVar variation 52418 (VCV000052418.84), dbSNP rs81002836, ClinGen allele CA025289.

ClinVar aggregate classification (germline): Pathogenic. Review status: reviewed by expert panel (3 of 4 stars). 25 submissions from 24 submitters: Pathogenic (1). 24 of the submissions do not count toward it. Last evaluated 2019-06-18.

Conditions:
Hereditary cancer-predisposing syndrome. Also called: Hereditary Cancer Syndrome; Tumor predisposition; Neoplastic Syndromes, Hereditary; Hereditary neoplastic syndrome. Identifiers: Orphanet 140162, MedGen C0027672, MeSH D009386, MONDO:0015356.
Hereditary breast ovarian cancer syndrome. Also called: Breast and ovarian cancer; BRCA1- and BRCA2-Associated Hereditary Breast and Ovarian Cancer; Hereditary breast and ovarian cancer; Hereditary breast and ovarian cancer syndrome (HBOC); Hereditary breast and ovarian cancer syndrome; Hereditary breast and/or ovarian cancer syndrome. Identifiers: Orphanet 145, MedGen C0677776, MeSH D061325, MONDO:0003582. Disease mechanism: loss of function.
Ovarian neoplasm. Also called: Ovarian tumor; Ovarian Neoplasms; Neoplasm of ovary. Identifiers: MedGen C0919267, MeSH D010051, MONDO:0021068, HP:0100615.
Breast-ovarian cancer, familial, susceptibility to, 2 (BROVCA2). Also called: BRCA2 Hereditary Breast and Ovarian Cancer. Identifiers: Orphanet 145, MedGen C2675520, MONDO:0012933, OMIM 612555. Disease mechanism: loss of function.
Breast-ovarian cancer, familial, susceptibility to, 1 (BROVCA1). Also called: BRCA1 Hereditary Breast and Ovarian Cancer; OVARIAN CANCER, SUSCEPTIBILITY TO. Identifiers: Orphanet 145, MedGen C2676676, MONDO:0011450, OMIM 604370. Disease mechanism: loss of function.
Familial cancer of breast. Also called: BREAST CANCER, FAMILIAL; hereditary breast carcinoma; Hereditary breast cancer. Identifiers: Orphanet 227535, MedGen C0346153, MONDO:0016419, OMIM 114480. Disease mechanism: loss of function.

Submissions 1 to 6 of 25:

Evidence-based Network for the Interpretation of Germline Mutant Alleles (ENIGMA)
Classification: Pathogenic for Breast-ovarian cancer, familial, susceptibility to, 2. Last evaluated: 2019-06-18. Review status: reviewed by expert panel. Criteria: ENIGMA BRCA1/2 Classification Criteria (2017-06-29). Collection method: curation. Allele origin: germline.
Comment: IARC class based on posterior probability from multifactorial likelihood analysis, thresholds for class as per Plon et al. 2008 (PMID: 18951446). Class 5 based on posterior probability = 0.998459

Labcorp Genetics (formerly Invitae), Labcorp
Classification: Pathogenic for Hereditary breast ovarian cancer syndrome. Last evaluated: 2025-06-25. Review status: criteria provided, single submitter. Criteria: Invitae Variant Classification Sherloc (09022015). Collection method: clinical testing. Allele origin: germline. Not counted in ClinVar's aggregate classification.
Comment: This sequence change affects an acceptor splice site in intron 16 of the BRCA2 gene. RNA analysis indicates that disruption of this splice site induces altered splicing and may result in an absent or altered protein product. This variant is not present in population databases (gnomAD no frequency). Disruption of this splice site has been observed in individual(s) with breast/ovarian cancer (PMID: 10449599, 12461697, 18439106, 18783588, 21232165, 23199084). It is commonly reported in individuals of Slovenian ancestry (PMID: 10449599, 12461697, 18439106, 18783588, 21232165, 23199084). ClinVar contains an entry for this variant (Variation ID: 52418). Studies have shown that disruption of this splice site results in activation of a cryptic splice site, and produces a non-functional protein and/or introduces a premature termination codon (PMID: 10449599, 12461697; internal data). For these reasons, this variant has been classified as Pathogenic.

GeneKor MSA
Classification: Pathogenic for Hereditary breast ovarian cancer syndrome. Last evaluated: 2025-05-15. Review status: criteria provided, single submitter. Criteria: ACMG Guidelines, 2015. Collection method: clinical testing. Allele origin: germline. Affected: yes. Not counted in ClinVar's aggregate classification.
Comment: This mutation occurs two base before exon 17 of the BRCA2 gene. This position is highly conserved in the human and other genomes and might be involved in mRNA processing. Therefore, this mutation is expected to disrupt RNA splicing and likely results in an absent or disrupted protein product. This particular variant has been in individuals affected with breast/ovarian cancer and is considered a founder mutation in the Slovenian population (PMID:10449599, 12461697, 23199084, 12461697, 18439106, 18783588, 21232165).This variant is not present in population databases (rs81002836). The mutation database Clinvar contains entries for this variant (VCV000052418.73). Experimental studies have shown that this splice site change leads to aberrant splicing (PMID:10449599, 12461697). Donor and acceptor splice site variants typically lead to a loss of protein function (PMID:16199547), and loss-of-function variants in BRCA2 are known to be pathogenic (PMID:20104584). For these reasons this variant has been classified as pathogenic.

Women's Health and Genetics/Laboratory Corporation of America, LabCorp
Classification: Pathogenic for Hereditary breast ovarian cancer syndrome. Last evaluated: 2025-03-21. Review status: criteria provided, single submitter. Criteria: LabCorp Variant Classification Summary - May 2015. Collection method: clinical testing. Allele origin: germline. Not counted in ClinVar's aggregate classification.
Comment: Variant summary: BRCA2 c.7806-2A>G is located in a canonical splice-site and is predicted to affect mRNA splicing resulting in a significantly altered protein due to either exon skipping, shortening, or inclusion of intronic material. Variants that disrupt the consensus splice site are a relatively common cause of aberrant splicing and loss of BRCA2 function. Several computational tools predict a significant impact on normal splicing: Four predict the variant abolishes a 3' acceptor site. However, these predictions have yet to be confirmed by functional studies. The variant was absent in 250858 control chromosomes. c.7806-2A>G has been reported in the literature in multiple individuals affected with Hereditary Breast And Ovarian Cancer Syndrome (Novakovic_2012, Santarosa_1999, Miolo_2006). These data indicate that the variant is very likely to be associated with disease. To our knowledge, no experimental evidence demonstrating an impact on protein function has been reported. The following publications have been ascertained in the context of this evaluation (PMID: 10449599, 22923021, 16764716). ClinVar contains an entry for this variant (Variation ID: 52418). Based on the evidence outlined above, the variant was classified as pathogenic.

Quest Diagnostics Nichols Institute San Juan Capistrano
Classification: Pathogenic. Last evaluated: 2025-01-21. Review status: criteria provided, single submitter. Criteria: Quest Diagnostics criteria. Collection method: clinical testing. Allele origin: unknown. Not counted in ClinVar's aggregate classification.
Comment: The BRCA2 c.7806-2A>G variant disrupts a canonical splice-acceptor site and interferes with normal BRCA2 mRNA splicing. This variant has been reported in the published literature in individuals and families affected with hereditary breast and/or ovarian cancer (PMIDs: 33891299 (2021), 32438681 (2020), 29446198 (2018), 11802209 (2002), 10449599 (1999)). Additionally, it has been described as a founder variant in Slovenian breast cancer populations (PMIDs: 33891299 (2021), 24312913 (2013), 21232165 (2011), 12461697 (2002)). Functional studies have confirmed that this variant leads to aberrant splicing (PMIDs: 28339459 (2017), 22505045 (2012), 12461697 (2002), 10449599 (1999)). This variant has not been reported in large, multi-ethnic general populations (Genome Aggregation Database). Based on the available information, this variant is classified as pathogenic.

Color Diagnostics, LLC DBA Color Health
Classification: Pathogenic for Hereditary cancer-predisposing syndrome. Last evaluated: 2024-11-25. Review status: criteria provided, single submitter. Criteria: ACMG Guidelines, 2015. Collection method: clinical testing. Allele origin: germline. Not counted in ClinVar's aggregate classification.
Comment: This variant causes an A to G nucleotide substitution at the -2 position of intron 16 of the BRCA2 gene. RNA studies have detected aberrant splicing products in carrier RNA (PMID: 10449599, 12461697, 22505045, 30832263) and in a minigene splicing assay (PMID: 28339459) that include out-of-frame and in-frame splicing products. To our knowledge, functional studies have not been reported for this variant. This variant has been reported in at least 10 individuals affected with breast and/or ovarian cancer and 1 individual affected with pancreatic cancer (PMID: 10449599, 12097290, 16764716, 18439106, 29470806, 33891299) and has a segregation likelihood ratio for pathogenicity of 7.1109 (PMID: 31131967). Haplotype analyses suggest that this variant is a founder mutation in Slovenia and Italy (PMID: 12461697, 18439106, 26852130). This variant has not been identified in the general population by the Genome Aggregation Database (gnomAD). Loss of BRCA2 function is a known mechanism of disease. Based on the available evidence, this variant is classified as Pathogenic.